The following is an entry in ClinVar:

ClinVar aggregate classification (germline): Conflicting classifications of pathogenicity. Review status: criteria provided, conflicting classifications (1 of 4 stars). 6 submissions from 6 submitters: Uncertain significance (1); Likely benign (5). Last evaluated 2026-01-27.

Conditions:
Primary ciliary dyskinesia. Also called: Ciliary dyskinesia. Identifiers: Orphanet 244, MedGen C0008780, MONDO:0016575, HP:0012265.
Primary ciliary dyskinesia 3. Identifiers: Orphanet 244, MedGen C1837618, MONDO:0012085, OMIM 608644.

Allele frequency attached by ClinVar (database versions not stated): 1000 Genomes Project 30x 0.00016; 1000 Genomes Project 0.00020; gnomAD exomes 0.00041 and 0.00053; gnomAD 0.00044 and 0.00046; ESP Exome Variant Server 0.00046; ExAC 0.00050; TOPMed 0.00055.
gnomAD v4.1: 844 of 1,613,772 alleles (0.052%); highest among the groups gnomAD compares: Non-Finnish European, 0.067%; no homozygotes.

Submissions (6):

Labcorp Genetics (formerly Invitae), Labcorp
Classification: Likely benign for Primary ciliary dyskinesia. Last evaluated: 2026-01-27. Review status: criteria provided, single submitter. Criteria: Invitae Variant Classification Sherloc (09022015). Collection method: clinical testing. Allele origin: germline.

Blueprint Genetics
Classification: Likely benign. Last evaluated: 2024-11-26. Review status: criteria provided, single submitter. Criteria: ACMG Guidelines, 2015. Collection method: clinical testing. Allele origin: germline.

Illumina Laboratory Services, Illumina
Classification: Uncertain significance for Primary ciliary dyskinesia 3. Last evaluated: 2018-01-12. Review status: criteria provided, single submitter. Criteria: ICSL Variant Classification Criteria 13 December 2019. Collection method: clinical testing. Allele origin: germline.

Ambry Genetics
Classification: Likely benign for Primary ciliary dyskinesia. Last evaluated: 2017-12-20. Review status: criteria provided, single submitter. Criteria: Ambry Variant Classification Scheme 2023. Collection method: clinical testing. Allele origin: germline.

Laboratory for Molecular Medicine, Mass General Brigham Personalized Medicine
Classification: Likely benign. Last evaluated: 2015-12-09. Review status: criteria provided, single submitter. Criteria: LMM Criteria. Collection method: clinical testing. Allele origin: germline. Observed: 2 variant alleles.
Comment: p.Asn1178Asn in exon 23 of DNAH5: This variant is not expected to have clinical significance because it does not alter an amino acid residue and is not located within the splice consensus sequence. It has been identified in 0.1% (60/66684) of European chromosomes by the Exome Aggregation Consortium (ExAC.; dbSNP rs151274810).

PreventionGenetics, part of Exact Sciences
Classification: Likely benign. Review status: criteria provided, single submitter. Criteria: ACMG Guidelines, 2015. Collection method: clinical testing. Allele origin: germline.

NM_001369.3(DNAH5):c.3534C>T (p.Asn1178=)

Genes: DNAH5 (dynein axonemal heavy chain 5; minus strand), DNAH5-AS1 (DNAH5 antisense RNA 1; plus strand). Cytogenetic location: 5p15.2.
Variant type: single nucleotide variant.
Coding change: c.3534C>T on transcript NM_001369.3 (MANE Select); coding-DNA position 3534, C replaced by T.
Protein change: p.Asn1178=; no amino-acid change (asparagine 1178 retained).
Molecular consequence: synonymous variant.
Genome position (GRCh38, 1-based): chr5:13,871,628, G>A on the plus strand (C>T on the coding strand, the complement: DNAH5 is on the minus strand). VCF-style: chr5-13871628-G-A. GRCh37 (hg19) VCF-style: chr5-13871737-G-A.
Identifiers: ClinVar variation 227324 (VCV000227324.23), dbSNP rs151274810, ClinGen allele CA3204242.